The following is an entry in ClinVar:

NM_024915.4(GRHL2):c.406C>T (p.Arg136Trp)

Gene: GRHL2 (grainyhead like transcription factor 2; plus strand). Cytogenetic location: 8q22.3.
Variant type: single nucleotide variant.
Coding change: c.406C>T on transcript NM_024915.4 (MANE Select); coding-DNA position 406, C replaced by T.
Protein change: p.Arg136Trp; replaces arginine 136 with tryptophan.
Molecular consequence: missense variant.
Genome position (GRCh38, 1-based): chr8:101,558,540, C>T. VCF-style: chr8-101558540-C-T. GRCh37 (hg19) VCF-style: chr8-102570768-C-T.
Other names: c.358C>T, p.Arg120Trp (NM_001330593.2); short protein forms R120W, R136W.
Identifiers: ClinVar variation 1312680 (VCV001312680.2), dbSNP rs764979598, ClinGen allele CA4830293.

ClinVar aggregate classification (germline): Uncertain significance (1 of 4 stars; one submission).

Allele frequency attached by ClinVar (database versions not stated): gnomAD exomes below 0.00001; ExAC 0.00001; gnomAD 0.00001; TOPMed 0.00002.
gnomAD v4.1: 7 of 1,613,974 alleles (0.00043%); highest among the groups gnomAD compares: African/African-American, 0.004%; no homozygotes.

Submission:

GeneDx
Classification: Uncertain significance. Last evaluated: 2020-07-09. Review status: criteria provided, single submitter. Criteria: GeneDx Variant Classification Process June 2021. Collection method: clinical testing. Allele origin: germline. Affected: yes.
Comment: Not observed at a significant frequency in large population cohorts (Lek et al., 2016); In silico analysis supports that this missense variant has a deleterious effect on protein structure/function; In-silico analysis is inconclusive as to whether the variant alters gene splicing. In the absence of RNA/functional studies, the actual effect of this sequence change is unknown.; Has not been previously published as pathogenic or benign to our knowledge